The following is an entry in ClinVar:

ClinVar aggregate classification (germline): Uncertain significance (1 of 4 stars; one submission).

Allele frequency attached by ClinVar (database versions not stated): TOPMed 0.00002; 1000 Genomes Project 30x 0.00016; 1000 Genomes Project 0.00020.
gnomAD v4.1: 62 of 1,612,796 alleles (0.0038%); highest among the groups gnomAD compares: South Asian, 0.065%; no homozygotes.

Submission:

Labcorp Genetics (formerly Invitae), Labcorp
Classification: Uncertain significance. Last evaluated: 2024-01-23. Review status: criteria provided, single submitter. Criteria: Invitae Variant Classification Sherloc (09022015). Collection method: clinical testing. Allele origin: germline.
Comment: This sequence change replaces glutamine, which is neutral and polar, with lysine, which is basic and polar, at codon 1710 of the TUBGCP6 protein (p.Gln1710Lys). This variant is present in population databases (rs544541261, gnomAD 0.1%). This variant has not been reported in the literature in individuals affected with TUBGCP6-related conditions. ClinVar contains an entry for this variant (Variation ID: 963198). An algorithm developed to predict the effect of missense changes on protein structure and function (PolyPhen-2) suggests that this variant is likely to be disruptive. In summary, the available evidence is currently insufficient to determine the role of this variant in disease. Therefore, it has been classified as a Variant of Uncertain Significance.

NM_020461.4(TUBGCP6):c.5128C>A (p.Gln1710Lys)

Gene: TUBGCP6 (tubulin gamma complex component 6; minus strand). Cytogenetic location: 22q13.33.
Variant type: single nucleotide variant.
Coding change: c.5128C>A on transcript NM_020461.4 (MANE Select); coding-DNA position 5128, C replaced by A.
Protein change: p.Gln1710Lys; replaces glutamine 1710 with lysine.
Molecular consequence: missense variant.
Genome position (GRCh38, 1-based): chr22:50,218,229, G>T on the plus strand (C>A on the coding strand, the complement: TUBGCP6 is on the minus strand). VCF-style: chr22-50218229-G-T. GRCh37 (hg19) VCF-style: chr22-50656658-G-T.
Other names: short protein forms Q1710K.
Identifiers: ClinVar variation 963198 (VCV000963198.10), dbSNP rs544541261, ClinGen allele CA10307173.